The following is an entry in ClinVar:

NM_013447.4(ADGRE2):c.931C>A (p.Leu311Met)

Gene: ADGRE2 (adhesion G protein-coupled receptor E2; minus strand). Cytogenetic location: 19p13.12.
Variant type: single nucleotide variant.
Coding change: c.931C>A on transcript NM_013447.4 (MANE Select); coding-DNA position 931, C replaced by A.
Protein change: p.Leu311Met; replaces leucine 311 with methionine.
Molecular consequence: missense variant.
Genome position (GRCh38, 1-based): chr19:14,764,586, G>T on the plus strand (C>A on the coding strand, the complement: ADGRE2 is on the minus strand). VCF-style: chr19-14764586-G-T. GRCh37 (hg19) VCF-style: chr19-14875398-G-T.
Other names: c.931C>A, p.Leu311Met (NM_001271052.1); c.784C>A, p.Leu262Met (NM_152916.2); c.652C>A, p.Leu218Met (NM_152917.2); c.931C>A (NM_013447.2); short protein forms L218M, L262M, L311M.
Identifiers: ClinVar variation 2414397 (VCV002414397.6), dbSNP rs141550785, ClinGen allele CA9257842.

ClinVar aggregate classification (germline): Uncertain significance. Review status: criteria provided, multiple submitters, no conflicts (2 of 4 stars). 2 submissions from 2 submitters: Uncertain significance (2). Last evaluated 2025-10-15.

Allele frequency attached by ClinVar (database versions not stated): ExAC 0.00008; gnomAD 0.00012; ESP Exome Variant Server 0.00054.
gnomAD v4.1: 35 of 1,612,334 alleles (0.0022%); highest among the groups gnomAD compares: African/African-American, 0.043%; no homozygotes.

Submissions (2):

Labcorp Genetics (formerly Invitae), Labcorp
Classification: Uncertain significance. Last evaluated: 2025-10-15. Review status: criteria provided, single submitter. Criteria: Invitae Variant Classification Sherloc (09022015). Collection method: clinical testing. Allele origin: germline.
Comment: This sequence change replaces leucine, which is neutral and non-polar, with methionine, which is neutral and non-polar, at codon 311 of the ADGRE2 protein (p.Leu311Met). This variant is present in population databases (rs141550785, gnomAD 0.05%). This variant has not been reported in the literature in individuals affected with ADGRE2-related conditions. ClinVar contains an entry for this variant (Variation ID: 2414397). An algorithm developed to predict the effect of missense changes on protein structure and function outputs the following: PolyPhen-2: "Possibly Damaging". The methionine amino acid residue is found in multiple mammalian species, which suggests that this missense change does not adversely affect protein function. In summary, the available evidence is currently insufficient to determine the role of this variant in disease. Therefore, it has been classified as a Variant of Uncertain Significance.

Ambry Genetics
Classification: Uncertain significance. Last evaluated: 2025-06-07. Review status: criteria provided, single submitter. Criteria: Ambry Variant Classification Scheme 2023. Collection method: clinical testing. Allele origin: germline.